The following is an entry in ClinVar:

NM_001267550.2(TTN):c.90198T>G (p.Val30066=)

Genes: TTN-AS1 (TTN antisense RNA 1; plus strand), TTN (titin; minus strand). Cytogenetic location: 2q31.2.
Variant type: single nucleotide variant.
Coding change: c.90198T>G on transcript NM_001267550.2 (MANE Select); coding-DNA position 90198, T replaced by G.
Protein change: p.Val30066=; no amino-acid change (valine 30066 retained).
Molecular consequence: synonymous variant.
Genome position (GRCh38, 1-based): chr2:178,552,702, A>C on the plus strand (T>G on the coding strand, the complement: TTN is on the minus strand). VCF-style: chr2-178552702-A-C. GRCh37 (hg19) VCF-style: chr2-179417429-A-C.
Other names: c.85275T>G, p.Val28425= (NM_001256850.1); c.63003T>G, p.Val21001= (NM_003319.4); c.82494T>G, p.Val27498= (NM_133378.4); c.63378T>G, p.Val21126= (NM_133432.3); c.63579T>G, p.Val21193= (NM_133437.4).
Identifiers: ClinVar variation 596084 (VCV000596084.19), dbSNP rs761842174, ClinGen allele CA1987819.

ClinVar aggregate classification (germline): Conflicting classifications of pathogenicity. Review status: criteria provided, conflicting classifications (1 of 4 stars). 5 submissions from 5 submitters: Uncertain significance (1); Likely benign (4). Last evaluated 2026-02-01.

Conditions:
Autosomal recessive limb-girdle muscular dystrophy type 2J (LGMDR10). Also called: MUSCULAR DYSTROPHY, LIMB-GIRDLE, AUTOSOMAL RECESSIVE 10; Limb-girdle muscular dystrophy, type 2J. Identifiers: Orphanet 140922, MedGen C1837342, MONDO:0012127, OMIM 608807.
Dilated cardiomyopathy 1G (CMD1G). Identifiers: Orphanet 154, MedGen C1858763, MONDO:0011400, OMIM 604145.
TTN-related disorder. Also called: TTN-related condition; TTN-related disease; TTN-related disorders.
Cardiovascular phenotype. Identifiers: MedGen CN230736.

Allele frequency attached by ClinVar (database versions not stated): TOPMed 0.00002; ExAC 0.00003; gnomAD 0.00003; gnomAD exomes 0.00004.
gnomAD v4.1: 71 of 1,613,778 alleles (0.0044%); highest among the groups gnomAD compares: Admixed American, 0.012%; no homozygotes.

Submissions (5):

Labcorp Genetics (formerly Invitae), Labcorp
Classification: Likely benign for Dilated cardiomyopathy 1G; Autosomal recessive limb-girdle muscular dystrophy type 2J. Last evaluated: 2026-02-01. Review status: criteria provided, single submitter. Criteria: Invitae Variant Classification Sherloc (09022015). Collection method: clinical testing. Allele origin: germline.

PreventionGenetics, part of Exact Sciences
Classification: Likely benign for TTN-related condition. Last evaluated: 2025-11-06. Review status: criteria provided, single submitter. Criteria: ACMG Guidelines, 2015. Collection method: clinical testing. Allele origin: germline.
Comment: This variant is classified as likely benign based on ACMG/AMP sequence variant interpretation guidelines (Richards et al. 2015 PMID: 25741868, with internal and published modifications).

Molecular Diagnostic Laboratory for Inherited Cardiovascular Disease, Montreal Heart Institute
Classification: Likely benign. Last evaluated: 2025-04-09. Review status: criteria provided, single submitter. Criteria: ACMG Guidelines, 2015. Collection method: clinical testing. Allele origin: germline. Affected: no.

Ambry Genetics
Classification: Likely benign for Cardiovascular phenotype. Last evaluated: 2019-09-25. Review status: criteria provided, single submitter. Criteria: Ambry Variant Classification Scheme 2023. Collection method: clinical testing. Allele origin: germline.

Eurofins Ntd Llc (ga)
Classification: Uncertain significance. Last evaluated: 2018-02-16. Review status: criteria provided, single submitter. Criteria: EGL ClinVar v180209 classification definitions. Collection method: clinical testing. Allele origin: germline. Observed: 1 variant allele, 1 heterozygote.